The following is an entry in ClinVar:

NM_201525.4(ADGRG1):c.1574T>G (p.Val525Gly)

Gene: ADGRG1 (adhesion G protein-coupled receptor G1; plus strand). Cytogenetic location: 16q21.
Variant type: single nucleotide variant.
Coding change: c.1574T>G on transcript NM_201525.4 (MANE Select); coding-DNA position 1574, T replaced by G.
Protein change: p.Val525Gly; replaces valine 525 with glycine.
Molecular consequence: missense variant.
Genome position (GRCh38, 1-based): chr16:57,660,786, T>G. VCF-style: chr16-57660786-T-G. GRCh37 (hg19) VCF-style: chr16-57694698-T-G.
Other names: c.1574T>G, p.Val525Gly (NM_001145770.3, NM_001145772.3, NM_001145774.3 and 7 more transcripts); c.1592T>G, p.Val531Gly (NM_001145771.3, NM_001370428.1, NM_001370429.1 and 4 more transcripts); c.1589T>G, p.Val530Gly (NM_001145773.3, NM_001370433.1, NM_001370434.1); c.1082T>G, p.Val361Gly (NM_001290142.2); c.1067T>G, p.Val356Gly (NM_001290143.2); c.1049T>G, p.Val350Gly (NM_001290144.2, NM_001370451.1, NM_001370453.1 and 1 more transcripts); c.1571T>G, p.Val524Gly (NM_001370441.1); c.1418T>G, p.Val473Gly (NM_001370442.1); short protein forms V350G, V356G, V530G, V361G, V525G, V473G, V524G, V531G.
Identifiers: ClinVar variation 2585027 (VCV002585027.1), dbSNP rs2545502098, ClinGen allele CA396051638.
Genomic context (GRCh38, chr16:57,660,786, plus strand): 5'-TCAGAGAGCGGGAAGTAGAGCAACATGCATTGCCACCCTCAGGCTTCCCCATCTTTCTGG[T>G]GACGCTGGTGGCCCTGGTGGATGTGGACAACTATGGCCCCATCATCTTGGCTGTGCATAG-3'
Protein context (NP_958933.1, residues 515-535): AMGWGFPIFL[Val525Gly]TLVALVDVDN

ClinVar aggregate classification (germline): Uncertain significance (1 of 4 stars; one submission).

Conditions:
Bilateral frontoparietal polymicrogyria. Also called: CEREBELLAR ATAXIA WITH NEURONAL MIGRATION DEFECT; CORTICAL DYSPLASIA, COMPLEX, WITH OTHER BRAIN MALFORMATIONS 14A (BILATERAL FRONTOPARIETAL). Identifiers: Orphanet 101070, MedGen C1847352, MONDO:0011738, OMIM 606854.

Submission:

Neuberg Centre For Genomic Medicine, NCGM
Classification: Uncertain significance for Bilateral frontoparietal polymicrogyria. Review status: criteria provided, single submitter. Criteria: ACMG Guidelines, 2015. Collection method: clinical testing. Allele origin: germline. Inheritance: Autosomal recessive inheritance. Affected: yes.
Comment: The missense variant in c.1574T>G(p.Val525Gly) in ADGRG1 gene has not been reported previously as a pathogenic variant nor as a benign variant, to our knowledge. The p.Val525Gly variant is novel (not in any individuals) in gnomAD Exomes and 1000 Genomes. This variant has not been reported to the ClinVar database. The amino acid change p.Val525Gly in ADGRG1 is predicted as conserved by GERP++ and PhyloP across 100 vertebrates. The amino acid Val at position 525 is changed to a Gly changing protein sequence and it might alter its composition and physico-chemical properties. For these reasons, this variant has been classified as Uncertain Significance (VUS).